The following is an entry in ClinVar:

NM_001042492.3(NF1):c.6345G>C (p.Pro2115=)

Gene: NF1 (neurofibromin 1; plus strand). Cytogenetic location: 17q11.2.
Variant type: single nucleotide variant.
Coding change: c.6345G>C on transcript NM_001042492.3 (MANE Select); coding-DNA position 6345, G replaced by C.
Protein change: p.Pro2115=; no amino-acid change (proline 2115 retained).
Molecular consequence: synonymous variant.
Genome position (GRCh38, 1-based): chr17:31,336,832, G>C. VCF-style: chr17-31336832-G-C. GRCh37 (hg19) VCF-style: chr17-29663850-G-C.
Other names: c.6282G>C, p.Pro2094= (NM_000267.4).
Identifiers: ClinVar variation 5042234 (VCV005042234.1).

ClinVar aggregate classification (germline): Benign (1 of 4 stars; one submission).

Conditions:
Neurofibromatosis, type 1 (NF1). Also called: VON RECKLINGHAUSEN DISEASE; NEUROFIBROMATOSIS, TYPE I, SOMATIC; Peripheral type neurofibromatosis; Neurofibromatosis, type I. Identifiers: Orphanet 636, MedGen C0027831, MONDO:0018975, OMIM 162200. Disease mechanism: loss of function.

Submission:

Myriad Genetics, Inc.
Classification: Benign for Neurofibromatosis, type 1. Last evaluated: 2026-09-23. Review status: criteria provided, single submitter. Criteria: Myriad Autosomal Dominant, Autosomal Recessive and X-Linked Classification Criteria (2023). Collection method: clinical testing. Allele origin: unknown.
Comment: This variant is considered benign. This variant is a silent/synonymous amino acid change and it is not expected to impact splicing.